The following is an entry in ClinVar:

ClinVar aggregate classification (germline): Uncertain significance (1 of 4 stars; one submission).

Submission:

GeneDx
Classification: Uncertain significance. Last evaluated: 2026-03-26. Review status: criteria provided, single submitter. Criteria: GeneDx Variant Classification Process June 2021. Collection method: clinical testing. Allele origin: germline.
Comment: Not observed at significant frequency in large population cohorts (gnomAD); Frameshift variant predicted to result in abnormal protein length as the last 43 amino acid(s) are replaced with 11 different amino acid(s); Has not been previously published as pathogenic or benign to our knowledge

NM_002972.4(SBF1):c.5552del (p.Pro1851fs)

Gene: SBF1 (SET binding factor 1; minus strand). Cytogenetic location: 22q13.33.
Variant type: Deletion.
Coding change: c.5552del on transcript NM_002972.4 (MANE Select); coding-DNA position 5552, one base deleted (C; older notation c.5552delC).
Protein change: p.Pro1851fs; shifts the reading frame from proline 1851.
Molecular consequence: frameshift variant.
Genome position (GRCh38, 1-based): chr22:50,447,353, G deleted on the plus strand (C on the coding strand, the reverse complement: SBF1 is on the minus strand); the first of 4 consecutive G bases (chr22:50,447,353-50,447,356); deleting any one gives the same sequence. VCF-style (leftmost placement, unchanged base first): chr22-50447352-AG-A. GRCh37 (hg19) VCF-style: chr22-50885781-AG-A.
Other names: c.5477del, p.Pro1826fs (NM_001365819.1); c.5555del, p.Pro1852fs (NM_001410794.1); c.5474del, p.Pro1825fs (NM_001410795.1); short protein forms P1825fs, P1826fs, P1851fs, P1852fs.
Identifiers: ClinVar variation 5017164 (VCV005017164.1).
Genomic context (GRCh38, chr22:50,447,352, plus strand): 5'-CCCCTCTCCCAAGCCCCGGCCAAGGCTCACGTCAAAGAAGGCCTTCTCGTCCACAGTCTT[AG>A]GGGCACCCATAGTGGGCGTGCCAGGTGCCACAGCCTCCACCTCCGCCAAGTCGATGACAC-3'